The following is an entry in ClinVar:

ClinVar aggregate classification (germline): Uncertain significance. Review status: criteria provided, multiple submitters, no conflicts (2 of 4 stars). 3 submissions from 3 submitters: Uncertain significance (3). Last evaluated 2024-11-12.

Conditions:
PC-related disorder. Also called: PC-related condition.
Inborn genetic diseases. Identifiers: MedGen C0950123, MeSH D030342.

Allele frequency attached by ClinVar (database versions not stated): gnomAD exomes 0.00001; TOPMed 0.00002.

Submissions (3):

PreventionGenetics, part of Exact Sciences
Classification: Uncertain significance for PC-related condition. Last evaluated: 2024-11-12. Review status: criteria provided, single submitter. Criteria: ACMG Guidelines, 2015. Collection method: clinical testing. Allele origin: germline.
Comment: The PC c.2167T>C variant is predicted to result in the amino acid substitution p.Tyr723His. To our knowledge, this variant has not been reported in the literature. This variant is reported in 0.0018% of alleles in individuals of European (Non-Finnish) descent in gnomAD. At this time, the clinical significance of this variant is uncertain due to the absence of conclusive functional and genetic evidence.

GeneDx
Classification: Uncertain significance. Last evaluated: 2023-12-06. Review status: criteria provided, single submitter. Criteria: GeneDx Variant Classification Process June 2021. Collection method: clinical testing. Allele origin: germline. Affected: yes.
Comment: Not observed at significant frequency in large population cohorts (gnomAD); In silico analysis supports that this missense variant has a deleterious effect on protein structure/function; Has not been previously published as pathogenic or benign to our knowledge

Ambry Genetics
Classification: Uncertain significance for Inborn genetic diseases. Last evaluated: 2023-10-05. Review status: criteria provided, single submitter. Criteria: Ambry Variant Classification Scheme 2023. Collection method: clinical testing. Allele origin: germline.

NM_001040716.2(PC):c.2167T>C (p.Tyr723His)

Gene: PC (pyruvate carboxylase; minus strand). Cytogenetic location: 11q13.2.
Variant type: single nucleotide variant.
Coding change: c.2167T>C on transcript NM_001040716.2 (MANE Select); coding-DNA position 2167, T replaced by C.
Protein change: p.Tyr723His; replaces tyrosine 723 with histidine.
Molecular consequence: missense variant.
Genome position (GRCh38, 1-based): chr11:66,851,096, A>G on the plus strand (T>C on the coding strand, the complement: PC is on the minus strand). VCF-style: chr11-66851096-A-G. GRCh37 (hg19) VCF-style: chr11-66618567-A-G.
Other names: c.2167T>C, p.Tyr723His (NM_000920.4, NM_022172.3); c.2167T>C (NM_001040716.1); short protein forms Y723H.
Identifiers: ClinVar variation 1307305 (VCV001307305.5), dbSNP rs1366191657, ClinGen allele CA381493557.